The following is an entry in ClinVar:

NM_032119.4(ADGRV1):c.8692G>A (p.Gly2898Arg)

Gene: ADGRV1 (adhesion G protein-coupled receptor V1; plus strand). Cytogenetic location: 5q14.3.
Variant type: single nucleotide variant.
Coding change: c.8692G>A on transcript NM_032119.4 (MANE Select); coding-DNA position 8692, G replaced by A.
Protein change: p.Gly2898Arg; replaces glycine 2898 with arginine.
Molecular consequence: missense variant. On other transcripts: non-coding transcript variant (1).
Genome position (GRCh38, 1-based): chr5:90,706,356, G>A. VCF-style: chr5-90706356-G-A. GRCh37 (hg19) VCF-style: chr5-90002173-G-A.
Other names: short protein forms G2898R.
Identifiers: ClinVar variation 2015196 (VCV002015196.4), dbSNP rs577713139, ClinGen allele CA360392296.

ClinVar aggregate classification (germline): Uncertain significance (1 of 4 stars; one submission).

Submission:

Labcorp Genetics (formerly Invitae), Labcorp
Classification: Uncertain significance. Last evaluated: 2022-08-09. Review status: criteria provided, single submitter. Criteria: Invitae Variant Classification Sherloc (09022015). Collection method: clinical testing. Allele origin: germline.
Comment: In summary, the available evidence is currently insufficient to determine the role of this variant in disease. Therefore, it has been classified as a Variant of Uncertain Significance. Algorithms developed to predict the effect of missense changes on protein structure and function are either unavailable or do not agree on the potential impact of this missense change (SIFT: "Tolerated"; PolyPhen-2: "Probably Damaging"; Align-GVGD: "Class C0"). This variant has not been reported in the literature in individuals affected with ADGRV1-related conditions. This variant is not present in population databases (gnomAD no frequency). This sequence change replaces glycine, which is neutral and non-polar, with arginine, which is basic and polar, at codon 2898 of the ADGRV1 protein (p.Gly2898Arg).